The following is an entry in ClinVar:

NM_024408.4(NOTCH2):c.7364C>T (p.Pro2455Leu)

Gene: NOTCH2 (notch receptor 2; minus strand). Cytogenetic location: 1p12.
Variant type: single nucleotide variant.
Coding change: c.7364C>T on transcript NM_024408.4 (MANE Select); coding-DNA position 7364, C replaced by T.
Protein change: p.Pro2455Leu; replaces proline 2455 with leucine.
Molecular consequence: missense variant.
Genome position (GRCh38, 1-based): chr1:119,915,358, G>A on the plus strand (C>T on the coding strand, the complement: NOTCH2 is on the minus strand). VCF-style: chr1-119915358-G-A. GRCh37 (hg19) VCF-style: chr1-120457981-G-A.
Other names: short protein forms P2455L.
Identifiers: ClinVar variation 2897386 (VCV002897386.3), dbSNP rs982883277, ClinGen allele CA30313237.

ClinVar aggregate classification (germline): Uncertain significance (1 of 4 stars; one submission).

Conditions:
Hajdu-Cheney syndrome (HJCYS). Also called: ACROOSTEOLYSIS WITH OSTEOPOROSIS AND CHANGES IN SKULL AND MANDIBLE; SERPENTINE FIBULA-POLYCYSTIC KIDNEY SYNDROME; Acroosteolysis dominant type. Identifiers: Orphanet 955, MedGen C0917715, MONDO:0007057, OMIM 102500.

Allele frequency attached by ClinVar (database versions not stated): TOPMed below 0.00001; gnomAD exomes 0.00002.
gnomAD v4.1: 33 of 1,614,116 alleles (0.002%); highest among the groups gnomAD compares: Non-Finnish European, 0.0028%; no homozygotes.

Submission:

Labcorp Genetics (formerly Invitae), Labcorp
Classification: Uncertain significance for Hajdu-Cheney syndrome. Last evaluated: 2023-12-10. Review status: criteria provided, single submitter. Criteria: Invitae Variant Classification Sherloc (09022015). Collection method: clinical testing. Allele origin: germline.
Comment: This sequence change replaces proline, which is neutral and non-polar, with leucine, which is neutral and non-polar, at codon 2455 of the NOTCH2 protein (p.Pro2455Leu). This variant is not present in population databases (gnomAD no frequency). This variant has not been reported in the literature in individuals affected with NOTCH2-related conditions. Advanced modeling of protein sequence and biophysical properties (such as structural, functional, and spatial information, amino acid conservation, physicochemical variation, residue mobility, and thermodynamic stability) performed at Invitae indicates that this missense variant is not expected to disrupt NOTCH2 protein function with a negative predictive value of 95%. In summary, the available evidence is currently insufficient to determine the role of this variant in disease. Therefore, it has been classified as a Variant of Uncertain Significance.